The following is an entry in ClinVar:

ClinVar aggregate classification (germline): Uncertain significance. Review status: criteria provided, multiple submitters, no conflicts (2 of 4 stars). 2 submissions from 2 submitters: Uncertain significance (2). Last evaluated 2024-09-05.

Submissions (2):

Blueprint Genetics
Classification: Uncertain significance. Last evaluated: 2024-09-05. Review status: criteria provided, single submitter. Criteria: ACMG Guidelines, 2015. Collection method: clinical testing. Allele origin: germline.

GeneDx
Classification: Uncertain significance. Last evaluated: 2021-06-10. Review status: criteria provided, single submitter. Criteria: GeneDx Variant Classification Process June 2021. Collection method: clinical testing. Allele origin: germline. Affected: yes.
Comment: Frameshift variant predicted to result in protein truncation or nonsense mediated decay in a gene for which loss-of-function is a known mechanism of disease; Has not been previously published as pathogenic or benign to our knowledge

NM_001004127.3(ALG11):c.-4_13dup (p.Glu5fs)

Genes: ALG11 (ALG11 alpha-1,2-mannosyltransferase; plus strand), LOC130009841 (ATAC-STARR-seq lymphoblastoid active region 7785; plus strand). Cytogenetic location: 13q14.3.
Variant type: Duplication.
Coding change: c.-4_13dup on transcript NM_001004127.3 (MANE Select); 4 bases upstream of the start codon through coding-DNA position 13, 17 bases duplicated (GAAGATGGCGGCCGGCG).
Protein change: p.Glu5fs; shifts the reading frame from glutamic acid 5.
Molecular consequence: frameshift variant, initiator codon variant. On other transcripts: non-coding transcript variant (1).
Genome position (GRCh38, 1-based): chr13:52,012,415-52,012,431, GAAGATGGCGGCCGGCG duplicated; duplicating any 17 consecutive bases within chr13:52,012,410-52,012,431 gives the same sequence; the c. name uses the placement nearest the transcript's 3' end. VCF-style (leftmost placement, unchanged base first): chr13-52012409-T-TCGGCGGAAGATGGCGGC. GRCh37 (hg19) VCF-style: chr13-52586545-T-TCGGCGGAAGATGGCGGC.
Other names: short protein forms E5fs.
Identifiers: ClinVar variation 1313498 (VCV001313498.4), dbSNP rs746828347, ClinGen allele CA6989762.
Genomic context (GRCh38, chr13:52,012,409, plus strand): 5'-GCTTGCTTTCTCAGGAGCCAATAGGGAAAAGGAAAGTGAAGCGTTTCCTGAGTTCGGGGG[T>TCGGCGGAAGATGGCGGC]CGGCGGAAGATGGCGGCCGGCGAAAGGAGCTGGTGCCTGTGCAAGTTGTTGAGGTGAGCA-3'